The following is an entry in ClinVar:

ClinVar aggregate classification (germline): Pathogenic (1 of 4 stars; one submission).

Conditions:
Hereditary cancer-predisposing syndrome. Also called: Neoplastic Syndromes, Hereditary; Tumor predisposition; Hereditary Cancer Syndrome; Hereditary neoplastic syndrome. Identifiers: Orphanet 140162, MedGen C0027672, MeSH D009386, MONDO:0015356.

Submission:

Ambry Genetics
Classification: Pathogenic for Hereditary cancer-predisposing syndrome. Last evaluated: 2024-10-05. Review status: criteria provided, single submitter. Criteria: Ambry Variant Classification Scheme 2023. Collection method: clinical testing. Allele origin: germline.
Comment: The c.293dupG pathogenic mutation, located in coding exon 2 of the RAD51C gene, results from a duplication of G at nucleotide position 293, causing a translational frameshift with a predicted alternate stop codon (p.F99Lfs*11). This variant is considered to be rare based on population cohorts in the Genome Aggregation Database (gnomAD). This alteration is expected to result in loss of function by premature protein truncation or nonsense-mediated mRNA decay. As such, this alteration is interpreted as a disease-causing mutation.

NM_058216.3(RAD51C):c.293dup (p.Phe99fs)

Gene: RAD51C (RAD51 paralog C; plus strand). Cytogenetic location: 17q22.
Variant type: Duplication.
Coding change: c.293dup on transcript NM_058216.3 (MANE Select); coding-DNA position 293, one base duplicated (G; older notation c.293dupG).
Protein change: p.Phe99fs; shifts the reading frame from phenylalanine 99.
Molecular consequence: frameshift variant. On other transcripts: non-coding transcript variant (2).
Genome position (GRCh38, 1-based): chr17:58,695,078, G duplicated; the last of 3 consecutive G bases (chr17:58,695,076-58,695,078); duplicating any one gives the same sequence. VCF-style (leftmost placement, unchanged base first): chr17-58695075-A-AG. GRCh37 (hg19) VCF-style: chr17-56772436-A-AG.
Other names: c.293dup, p.Phe99fs (NM_002876.4); c.293dupG (NM_058216.1); short protein forms F99fs.
Identifiers: ClinVar variation 3429717 (VCV003429717.1).